The following is an entry in ClinVar:

NM_001033044.4(GLUL):c.*2074G>A

Gene: GLUL (glutamate-ammonia ligase; minus strand). Cytogenetic location: 1q25.3.
Variant type: single nucleotide variant.
Coding change: c.*2074G>A on transcript NM_001033044.4 (MANE Select); 2074 bases downstream of the stop codon, G replaced by A.
Molecular consequence: 3 prime UTR variant.
Genome position (GRCh38, 1-based): chr1:182,382,331, C>T on the plus strand (G>A on the coding strand, the complement: GLUL is on the minus strand). VCF-style: chr1-182382331-C-T. GRCh37 (hg19) VCF-style: chr1-182351466-C-T.
Other names: c.*2074G>A (NM_001033056.4, NM_002065.7).
Identifiers: ClinVar variation 293895 (VCV000293895.5), dbSNP rs185466076, ClinGen allele CA10608430.

ClinVar aggregate classification (germline): Likely benign (1 of 4 stars; one submission).

Conditions:
Congenital brain dysgenesis due to glutamine synthetase deficiency (GLND). Also called: GLUTAMINE SYNTHASE DEFICIENCY, CONGENITAL SYSTEMIC. Identifiers: Orphanet 71278, MedGen C1864910, MONDO:0012393, OMIM 610015.

Allele frequency attached by ClinVar (database versions not stated): TOPMed 0.00022; gnomAD 0.00026; 1000 Genomes Project 0.00040; 1000 Genomes Project 30x 0.00062.

Submission:

Illumina Laboratory Services, Illumina
Classification: Likely benign for Congenital brain dysgenesis due to glutamine synthetase deficiency. Last evaluated: 2018-01-12. Review status: criteria provided, single submitter. Criteria: ICSL Variant Classification Criteria 13 December 2019. Collection method: clinical testing. Allele origin: germline.
Comment: This variant was observed in the ICSL laboratory as part of a predisposition screen in an ostensibly healthy population. It had not been previously curated by ICSL or reported in the Human Gene Mutation Database (HGMD: prior to June 1st, 2018), and was therefore a candidate for classification through an automated scoring system. Utilizing variant allele frequency, disease prevalence and penetrance estimates, and inheritance mode, an automated score was calculated to assess if this variant is too frequent to cause the disease. Based on the score and internal cut-off values, a variant classified as likely benign is not then subjected to further curation. The score for this variant resulted in a classification of likely benign for this disease.